The following is an entry in ClinVar:

NM_004168.4(SDHA):c.1894G>C (p.Val632Leu)

Gene: SDHA (succinate dehydrogenase complex flavoprotein subunit A; plus strand). Cytogenetic location: 5p15.33.
Variant type: single nucleotide variant.
Coding change: c.1894G>C on transcript NM_004168.4 (MANE Select); coding-DNA position 1894, G replaced by C.
Protein change: p.Val632Leu; replaces valine 632 with leucine.
Molecular consequence: missense variant.
Genome position (GRCh38, 1-based): chr5:254,492, G>C. VCF-style: chr5-254492-G-C. GRCh37 (hg19) VCF-style: chr5-254607-G-C.
Other names: c.1750G>C, p.Val584Leu (NM_001294332.2); c.1651G>C, p.Val551Leu (NM_001330758.2); short protein forms V584L, V551L, V632L.
Identifiers: ClinVar variation 1782124 (VCV001782124.2), dbSNP rs369639811, ClinGen allele CA359002220.

ClinVar aggregate classification (germline): Uncertain significance (1 of 4 stars; one submission).

Conditions:
Hereditary cancer-predisposing syndrome. Also called: Neoplastic Syndromes, Hereditary; Tumor predisposition; Hereditary Cancer Syndrome; Hereditary neoplastic syndrome. Identifiers: Orphanet 140162, MedGen C0027672, MeSH D009386, MONDO:0015356.

Submission:

Ambry Genetics
Classification: Uncertain significance for Hereditary cancer-predisposing syndrome. Last evaluated: 2021-09-10. Review status: criteria provided, single submitter. Criteria: Ambry Variant Classification Scheme 2023. Collection method: clinical testing. Allele origin: germline.
Comment: The p.V632L variant (also known as c.1894G>C), located in coding exon 14 of the SDHA gene, results from a G to C substitution at nucleotide position 1894. The valine at codon 632 is replaced by leucine, an amino acid with highly similar properties. This amino acid position is not well conserved in available vertebrate species. In addition, this alteration is predicted to be tolerated by in silico analysis. Since supporting evidence is limited at this time, the clinical significance of this alteration remains unclear.